The following is an entry in ClinVar:

ClinVar aggregate classification (germline): Uncertain significance (1 of 4 stars; one submission).

Submission:

Labcorp Genetics (formerly Invitae), Labcorp
Classification: Uncertain significance. Last evaluated: 2025-11-28. Review status: criteria provided, single submitter. Criteria: Invitae Variant Classification Sherloc (09022015). Collection method: clinical testing. Allele origin: germline.
Comment: This sequence change replaces arginine, which is basic and polar, with glutamine, which is neutral and polar, at codon 394 of the EGF protein (p.Arg394Gln). This variant is present in population databases (rs147634717, gnomAD 0.007%). This variant has not been reported in the literature in individuals affected with EGF-related conditions. An algorithm developed to predict the effect of missense changes on protein structure and function outputs the following: PolyPhen-2: "Benign". The glutamine amino acid residue is found in multiple mammalian species, which suggests that this missense change does not adversely affect protein function. In summary, the available evidence is currently insufficient to determine the role of this variant in disease. Therefore, it has been classified as a Variant of Uncertain Significance.

NM_001963.6(EGF):c.1181G>A (p.Arg394Gln)

Gene: EGF (epidermal growth factor; plus strand). Cytogenetic location: 4q25.
Variant type: single nucleotide variant.
Coding change: c.1181G>A on transcript NM_001963.6 (MANE Select); coding-DNA position 1181, G replaced by A.
Protein change: p.Arg394Gln; replaces arginine 394 with glutamine.
Molecular consequence: missense variant.
Genome position (GRCh38, 1-based): chr4:109,960,981, G>A. VCF-style: chr4-109960981-G-A. GRCh37 (hg19) VCF-style: chr4-110882137-G-A.
Other names: c.1181G>A, p.Arg394Gln (NM_001178130.3); c.1055G>A, p.Arg352Gln (NM_001178131.3, NM_001357021.2); short protein forms R352Q, R394Q.
Identifiers: ClinVar variation 4760835 (VCV004760835.1).